The following is an entry in ClinVar:

ClinVar aggregate classification (germline): not provided (0 of 4 stars; one submission).

Submission:

Institute. of Biochemistry and Experimental Oncology, First Faculty of Medicine, Charles University in Prague
No classification provided. Review status: no classification provided. Collection method: not provided. Allele origin: germline.
Comment: Characterized in 1 out of 340 Non Hodgkin lymphoma patients.

NM_007194.4(CHEK2):c.1543-31del

Gene: CHEK2 (checkpoint kinase 2; minus strand). Cytogenetic location: 22q12.1.
Variant type: Deletion.
Coding change: c.1543-31del on transcript NM_007194.4 (MANE Select); 31 bases into the intron before coding-DNA position 1543, one base deleted (T; older notation c.1543-31delT).
Molecular consequence: intron variant.
Genome position (GRCh38, 1-based): chr22:28,688,017, A deleted on the plus strand (T on the coding strand, the reverse complement: CHEK2 is on the minus strand); the first of 4 consecutive A bases (chr22:28,688,017-28,688,020); deleting any one gives the same sequence. VCF-style (leftmost placement, unchanged base first): chr22-28688016-CA-C. GRCh37 (hg19) VCF-style: chr22-29084004-CA-C.
Other names: chr22:29,084,005delA; c.1543-31delT (NM_007194.3); c.880-31del (NM_001437942.1, NM_001257387.3); c.1342-31del (NM_001349956.3); c.1456-31del (NM_145862.3); c.1549-31del (NM_001438295.1); c.1636-31del (NM_001438293.1); c.1585-31del (NM_001438294.1); and 1 more.
Identifiers: ClinVar variation 126913 (VCV000126913.1), dbSNP rs121908709, ClinGen allele CA230688.